The following is an entry in ClinVar:

NM_032119.4(ADGRV1):c.17072dup (p.Tyr5692fs)

Gene: ADGRV1 (adhesion G protein-coupled receptor V1; plus strand). Cytogenetic location: 5q14.3.
Variant type: Duplication.
Coding change: c.17072dup on transcript NM_032119.4 (MANE Select); coding-DNA position 17072, one base duplicated (T; older notation c.17072dupT).
Protein change: p.Tyr5692fs; shifts the reading frame from tyrosine 5692.
Molecular consequence: frameshift variant. On other transcripts: non-coding transcript variant (1).
Genome position (GRCh38, 1-based): chr5:90,848,689, T duplicated; the last of 4 consecutive T bases (chr5:90,848,686-90,848,689); duplicating any one gives the same sequence. VCF-style (leftmost placement, unchanged base first): chr5-90848685-C-CT. GRCh37 (hg19) VCF-style: chr5-90144502-C-CT.
Other names: c.17072dup (NM_032119.3); short protein forms Y5692fs.
Identifiers: ClinVar variation 2788207 (VCV002788207.4), dbSNP rs1236752415, ClinGen allele CA815368101.

ClinVar aggregate classification (germline): Pathogenic/Likely pathogenic. Review status: criteria provided, multiple submitters, no conflicts (2 of 4 stars). 2 submissions from 2 submitters: Pathogenic (1); Likely pathogenic (1). Last evaluated 2026-04-12.

Submissions (2):

GeneDx
Classification: Likely pathogenic. Last evaluated: 2026-04-12. Review status: criteria provided, single submitter. Criteria: GeneDx Variant Classification Process June 2021. Collection method: clinical testing. Allele origin: germline.
Comment: Frameshift variant predicted to result in protein truncation or nonsense mediated decay in a gene for which loss of function is a known mechanism of disease; Not observed at significant frequency in large population cohorts (gnomAD); Has not been previously published as pathogenic or benign to our knowledge

Labcorp Genetics (formerly Invitae), Labcorp
Classification: Pathogenic. Last evaluated: 2023-05-29. Review status: criteria provided, single submitter. Criteria: Invitae Variant Classification Sherloc (09022015). Collection method: clinical testing. Allele origin: germline.
Comment: For these reasons, this variant has been classified as Pathogenic. This variant has not been reported in the literature in individuals affected with ADGRV1-related conditions. This variant is not present in population databases (gnomAD no frequency). This sequence change creates a premature translational stop signal (p.Tyr5692Leufs*2) in the ADGRV1 gene. It is expected to result in an absent or disrupted protein product. Loss-of-function variants in ADGRV1 are known to be pathogenic (PMID: 19357117, 22135276, 22147658, 26226137, 30718709, 31047384, 32467589).

Literature cited by the submitters: PubMed 19357117 (cited by Labcorp Genetics (formerly Invitae), Labcorp); PubMed 22135276 (cited by Labcorp Genetics (formerly Invitae), Labcorp); PubMed 22147658 (cited by Labcorp Genetics (formerly Invitae), Labcorp); PubMed 26226137 (cited by Labcorp Genetics (formerly Invitae), Labcorp); PubMed 30718709 (cited by Labcorp Genetics (formerly Invitae), Labcorp); PubMed 31047384 (cited by Labcorp Genetics (formerly Invitae), Labcorp); PubMed 32467589 (cited by Labcorp Genetics (formerly Invitae), Labcorp).